The following is an entry in ClinVar:

ClinVar aggregate classification (germline): Likely benign (0 of 4 stars; one submission).

Conditions:
MTFMT-related disorder. Also called: MTFMT-related condition.

Allele frequency attached by ClinVar (database versions not stated): gnomAD 0.00001.
gnomAD v4.1: 4 of 1,426,500 alleles (0.00028%); highest among the groups gnomAD compares: Non-Finnish European, 0.00037%; no homozygotes.

Submission:

PreventionGenetics, part of Exact Sciences
Classification: Likely benign for MTFMT-related condition. Last evaluated: 2021-10-19. Review status: no assertion criteria provided. Collection method: clinical testing. Allele origin: germline.
Comment: This variant is classified as likely benign based on ACMG/AMP sequence variant interpretation guidelines (Richards et al. 2015 PMID: 25741868, with internal and published modifications).

NM_139242.4(MTFMT):c.12G>A (p.Leu4=)

Genes: MTFMT (mitochondrial methionyl-tRNA formyltransferase; minus strand), LOC130057309 (ATAC-STARR-seq lymphoblastoid silent region 6550; plus strand). Cytogenetic location: 15q22.31.
Variant type: single nucleotide variant.
Coding change: c.12G>A on transcript NM_139242.4 (MANE Select); coding-DNA position 12, G replaced by A.
Protein change: p.Leu4=; no amino-acid change (leucine 4 retained).
Molecular consequence: synonymous variant.
Genome position (GRCh38, 1-based): chr15:65,029,602, C>T on the plus strand (G>A on the coding strand, the complement: MTFMT is on the minus strand). VCF-style: chr15-65029602-C-T. GRCh37 (hg19) VCF-style: chr15-65321940-C-T.
Identifiers: ClinVar variation 3029537 (VCV003029537.2), dbSNP rs967516859, ClinGen allele CA490827048.